The following is an entry in ClinVar:

ClinVar aggregate classification (germline): Uncertain significance. Review status: criteria provided, multiple submitters, no conflicts (2 of 4 stars). 2 submissions from 2 submitters: Uncertain significance (2). Last evaluated 2024-06-09.

Conditions:
Birt-Hogg-Dube syndrome. Also called: Birt Hogg Dubé syndrome. Identifiers: Orphanet 122, MedGen C0346010, MONDO:0800444.
Hereditary cancer-predisposing syndrome. Also called: Neoplastic Syndromes, Hereditary; Hereditary neoplastic syndrome; Hereditary Cancer Syndrome; Tumor predisposition. Identifiers: Orphanet 140162, MedGen C0027672, MeSH D009386, MONDO:0015356.

Allele frequency attached by ClinVar (database versions not stated): gnomAD exomes below 0.00001.
gnomAD v4.1: 1 of 1,613,974 alleles (0.000062%); highest among the groups gnomAD compares: East Asian, 0.0022%; no homozygotes.

Submissions (2):

Ambry Genetics
Classification: Uncertain significance for Hereditary cancer-predisposing syndrome. Last evaluated: 2024-06-09. Review status: criteria provided, single submitter. Criteria: Ambry Variant Classification Scheme 2023. Collection method: clinical testing. Allele origin: germline.
Comment: The p.S337R variant (also known as c.1011C>G), located in coding exon 6 of the FLCN gene, results from a C to G substitution at nucleotide position 1011. The serine at codon 337 is replaced by arginine, an amino acid with dissimilar properties. This amino acid position is conserved. In addition, this alteration is predicted to be tolerated by in silico analysis. Based on the available evidence, the clinical significance of this variant remains unclear.

Labcorp Genetics (formerly Invitae), Labcorp
Classification: Uncertain significance for Birt-Hogg-Dube syndrome. Last evaluated: 2023-08-04. Review status: criteria provided, single submitter. Criteria: Invitae Variant Classification Sherloc (09022015). Collection method: clinical testing. Allele origin: germline.
Comment: This sequence change replaces serine, which is neutral and polar, with arginine, which is basic and polar, at codon 337 of the FLCN protein (p.Ser337Arg). Advanced modeling of protein sequence and biophysical properties (such as structural, functional, and spatial information, amino acid conservation, physicochemical variation, residue mobility, and thermodynamic stability) performed at Invitae indicates that this missense variant is not expected to disrupt FLCN protein function. In summary, the available evidence is currently insufficient to determine the role of this variant in disease. Therefore, it has been classified as a Variant of Uncertain Significance. This variant has not been reported in the literature in individuals affected with FLCN-related conditions. This variant is not present in population databases (gnomAD no frequency). ClinVar contains an entry for this variant (Variation ID: 1400372).

NM_144997.7(FLCN):c.1011C>G (p.Ser337Arg)

Gene: FLCN (folliculin; minus strand). Cytogenetic location: 17p11.2.
Variant type: single nucleotide variant.
Coding change: c.1011C>G on transcript NM_144997.7 (MANE Select); coding-DNA position 1011, C replaced by G.
Protein change: p.Ser337Arg; replaces serine 337 with arginine.
Molecular consequence: missense variant.
Genome position (GRCh38, 1-based): chr17:17,219,070, G>C on the plus strand (C>G on the coding strand, the complement: FLCN is on the minus strand). VCF-style: chr17-17219070-G-C. GRCh37 (hg19) VCF-style: chr17-17122384-G-C.
Other names: c.1011C>G (NM_144997.5); c.1065C>G, p.Ser355Arg (NM_001353229.2); c.1011C>G, p.Ser337Arg (NM_001353230.2, NM_001353231.2); short protein forms S337R, S355R.
Identifiers: ClinVar variation 1400372 (VCV001400372.10), dbSNP rs1567812706, ClinGen allele CA398532773.
Genomic context (GRCh38, chr17:17,219,070, plus strand): 5'-GCCGCCTACCTGCCTCATGTGCCGGAGGGACTTGAAGACTGGCAGCTTCCGGGGCTGCCA[G>C]CTCCCACAGCCTGAGAGAGAGGAGGACTCTGCCGGGCCCTGGGTCAGCTCCCGCCCTTCT-3'
Protein context (NP_659434.2, residues 327-347): AESSSLSGCG[Ser337Arg]WQPRKLPVFK